The following is an entry in ClinVar:

NM_000363.5(TNNI3):c.450T>C (p.Ser150=)

Gene: TNNI3 (troponin I3, cardiac type; minus strand). Cytogenetic location: 19q13.42.
Variant type: single nucleotide variant.
Coding change: c.450T>C on transcript NM_000363.5 (MANE Select); coding-DNA position 450, T replaced by C.
Protein change: p.Ser150=; no amino-acid change (serine 150 retained).
Molecular consequence: synonymous variant.
Genome position (GRCh38, 1-based): chr19:55,154,129, A>G on the plus strand (T>C on the coding strand, the complement: TNNI3 is on the minus strand). VCF-style: chr19-55154129-A-G. GRCh37 (hg19) VCF-style: chr19-55665497-A-G.
Identifiers: ClinVar variation 3070842 (VCV003070842.2), dbSNP rs1599909205, ClinGen allele CA508989430.
Genomic context (GRCh38, chr19:55,154,129, plus strand): 5'-CCGCAGGTCCAGGGACTCCTTAGCCCGGGCCCCCAGCAGCGCCTGCATCATGGCATCTGC[A>G]GAGATCCTCACTCTCCGCAGGGTGGGCCGCTTAAACTTGCCTCGAAGGTCAAAGATCTTC-3'
Protein context (NP_000354.4, residues 140-160): KRPTLRRVRI[Ser150=]ADAMMQALLG

ClinVar aggregate classification (germline): Likely benign. Review status: criteria provided, multiple submitters, no conflicts (2 of 4 stars). 2 submissions from 2 submitters: Likely benign (2). Last evaluated 2026-06-09.

Conditions:
Cardiovascular phenotype. Identifiers: MedGen CN230736.
Hypertrophic cardiomyopathy. Also called: HYPERTROPHIC MYOCARDIOPATHY. Identifiers: Orphanet 217569, MedGen C0007194, MeSH D002312, MONDO:0005045, HP:0001639.

Allele frequency attached by ClinVar (database versions not stated): gnomAD exomes below 0.00001.
gnomAD v4.1: 3 of 1,613,424 alleles (0.00019%); highest among the groups gnomAD compares: South Asian, 0.0022%; no homozygotes.

Submissions (2):

Ambry Genetics
Classification: Likely benign for Cardiovascular phenotype. Last evaluated: 2026-06-09. Review status: criteria provided, single submitter. Criteria: Ambry Variant Classification Scheme 2023. Collection method: clinical testing. Allele origin: germline.

All of Us Research Program, National Institutes of Health
Classification: Likely benign for Hypertrophic cardiomyopathy. Last evaluated: 2023-05-04. Review status: criteria provided, single submitter. Criteria: ACMG Guidelines, 2015. Collection method: clinical testing. Allele origin: germline. Inheritance: Autosomal dominant inheritance. Observed: 1 variant allele, 1 heterozygote.
Comment: This study involves interpretation of variants in research participants for the purpose of population health screening. Participant phenotype was not available at the time of variant classification. Additional details can be found in publication PMID: 35346344, PMCID: PMC8962531